The following is an entry in ClinVar:

NM_000748.3(CHRNB2):c.1133T>C (p.Phe378Ser)

Gene: CHRNB2 (cholinergic receptor nicotinic beta 2 subunit; plus strand). Cytogenetic location: 1q21.3.
Variant type: single nucleotide variant.
Coding change: c.1133T>C on transcript NM_000748.3 (MANE Select); coding-DNA position 1133, T replaced by C.
Protein change: p.Phe378Ser; replaces phenylalanine 378 with serine.
Molecular consequence: missense variant.
Genome position (GRCh38, 1-based): chr1:154,571,956, T>C. VCF-style: chr1-154571956-T-C. GRCh37 (hg19) VCF-style: chr1-154544432-T-C.
Other names: short protein forms F378S.
Identifiers: ClinVar variation 4085176 (VCV004085176.8).

ClinVar aggregate classification (germline): Uncertain significance (1 of 4 stars; one submission).

Submission:

CeGaT Center for Human Genetics Tuebingen
Classification: Uncertain significance. Last evaluated: 2025-06-01. Review status: criteria provided, single submitter. Criteria: CeGaT Center For Human Genetics Tuebingen Variant Classification Criteria Version 2. Collection method: clinical testing. Allele origin: germline. Affected: yes. Observed: 1 variant allele.
Comment: CHRNB2: PM2